The following is an entry in ClinVar:

NM_001384732.1(CPLANE1):c.3084del (p.Asp1027_Trp1028insTer)

Gene: CPLANE1 (ciliogenesis and planar polarity effector complex subunit 1; minus strand). Cytogenetic location: 5p13.2.
Variant type: Deletion.
Coding change: c.3084del on transcript NM_001384732.1 (MANE Select); coding-DNA position 3084, one base deleted (G; older notation c.3084delG).
Protein change: p.Asp1027_Trp1028insTer.
Molecular consequence: nonsense.
Genome position (GRCh38, 1-based): chr5:37,206,262, C deleted on the plus strand (G on the coding strand, the reverse complement: CPLANE1 is on the minus strand); the first of 2 consecutive C bases (chr5:37,206,262-37,206,263); deleting either gives the same sequence. VCF-style (leftmost placement, unchanged base first): chr5-37206261-TC-T. GRCh37 (hg19) VCF-style: chr5-37206363-TC-T.
Other names: c.3084del, p.Asp1027_Trp1028insTer (NM_023073.4).
Identifiers: ClinVar variation 3681631 (VCV003681631.2).

ClinVar aggregate classification (germline): Pathogenic (1 of 4 stars; one submission).

Submission:

Labcorp Genetics (formerly Invitae), Labcorp
Classification: Pathogenic. Last evaluated: 2024-06-11. Review status: criteria provided, single submitter. Criteria: Invitae Variant Classification Sherloc (09022015). Collection method: clinical testing. Allele origin: germline.
Comment: This sequence change creates a premature translational stop signal (p.Trp1028*) in the CPLANE1 gene. It is expected to result in an absent or disrupted protein product. Loss-of-function variants in CPLANE1 are known to be pathogenic (PMID: 24178751, 26092869). This variant is not present in population databases (gnomAD no frequency). This variant has not been reported in the literature in individuals affected with CPLANE1-related conditions. Algorithms developed to predict the effect of sequence changes on RNA splicing suggest that this variant may disrupt the consensus splice site. For these reasons, this variant has been classified as Pathogenic.

Literature cited by the submitters: PubMed 24178751; PubMed 26092869.